The following is an entry in ClinVar:

NM_000123.4(ERCC5):c.2437A>G (p.Ile813Val)

Genes: BIVM-ERCC5 (BIVM-ERCC5 readthrough; plus strand), ERCC5 (ERCC excision repair 5, endonuclease; plus strand), LOC126861834 (BRD4-independent group 4 enhancer GRCh37_chr13:103518038-103519237; plus strand). Cytogenetic location: 13q33.1.
Variant type: single nucleotide variant.
Coding change: c.2437A>G on transcript NM_000123.4 (MANE Select); coding-DNA position 2437, A replaced by G.
Protein change: p.Ile813Val; replaces isoleucine 813 with valine.
Molecular consequence: missense variant.
Genome position (GRCh38, 1-based): chr13:102,866,749, A>G. VCF-style: chr13-102866749-A-G. GRCh37 (hg19) VCF-style: chr13-103519099-A-G.
Other names: c.3799A>G, p.Ile1267Val (NM_001204425.2); short protein forms I1267V, I813V.
Identifiers: ClinVar variation 1327108 (VCV001327108.2), dbSNP rs768296301, ClinGen allele CA7041639.
Genomic context (GRCh38, chr13:102,866,749, plus strand): 5'-CAGTGCGCCATCCTGGACCTGACTGATCAGACTTCCGGAACCATCACTGATGACAGTGAT[A>G]TCTGGCTGTTTGGAGCGCGGCATGTCTATAGAAACTTTTTTAATAAAAACAAGTTTGTAG-3'
Protein context (NP_000114.3, residues 803-823): TSGTITDDSD[Ile813Val]WLFGARHVYR

ClinVar aggregate classification (germline): Uncertain significance. Review status: criteria provided, multiple submitters, no conflicts (2 of 4 stars). 2 submissions from 2 submitters: Uncertain significance (2). Last evaluated 2023-06-22.

Conditions:
Cerebrooculofacioskeletal syndrome 3 (COFS3). Identifiers: MedGen C1851443, MONDO:0014696, OMIM 616570.

Allele frequency attached by ClinVar (database versions not stated): gnomAD exomes below 0.00001 and 0.00001; ExAC 0.00001; gnomAD 0.00001.
gnomAD v4.1: 6 of 1,614,146 alleles (0.00037%); highest among the groups gnomAD compares: Admixed American, 0.0083%; no homozygotes.

Submissions (2):

GeneDx
Classification: Uncertain significance. Last evaluated: 2023-06-22. Review status: criteria provided, single submitter. Criteria: GeneDx Variant Classification Process June 2021. Collection method: clinical testing. Allele origin: germline. Affected: yes.
Comment: Not observed at significant frequency in large population cohorts (gnomAD); In silico analysis supports that this missense variant does not alter protein structure/function; Has not been previously published as pathogenic or benign to our knowledge

Baylor Genetics
Classification: Uncertain significance for Cerebrooculofacioskeletal syndrome 3. Last evaluated: 2021-04-27. Review status: criteria provided, single submitter. Criteria: ACMG Guidelines, 2015. Collection method: clinical testing. Allele origin: unknown. Affected: yes. Study: CSER-TexasKidsCanSeq.
Comment: This variant was determined to be of uncertain significance according to ACMG Guidelines, 2015 [PMID:25741868].